The following is an entry in ClinVar:

ClinVar aggregate classification (germline): Uncertain significance (1 of 4 stars; one submission).

Submission:

Women's Health and Genetics/Laboratory Corporation of America, LabCorp
Classification: Uncertain significance. Last evaluated: 2023-04-07. Review status: criteria provided, single submitter. Criteria: LabCorp Variant Classification Summary - May 2015. Collection method: clinical testing. Allele origin: germline.
Comment: Variant summary: TTN c.84723C>G (p.Ile28241Met) results in a conservative amino acid change located in the A band region of the encoded protein sequence. Three of four in-silico tools predict a benign effect of the variant on protein function. The variant was absent in 248752 control chromosomes (gnomAD). The available data on variant occurrences in the general population are insufficient to allow any conclusion about variant significance. To our knowledge, no occurrence of c.84723C>G in individuals affected with Limb-Girdle Muscular Dystrophy, Type 2J and no experimental evidence demonstrating its impact on protein function have been reported. No clinical diagnostic laboratories have submitted clinical-significance assessments for this variant to ClinVar after 2014. Based on the evidence outlined above, the variant was classified as uncertain significance.

NM_001267550.2(TTN):c.92427C>G (p.Ile30809Met)

Genes: TTN (titin; minus strand), TTN-AS1 (TTN antisense RNA 1; plus strand). Cytogenetic location: 2q31.2.
Variant type: single nucleotide variant.
Coding change: c.92427C>G on transcript NM_001267550.2 (MANE Select); coding-DNA position 92427, C replaced by G.
Protein change: p.Ile30809Met; replaces isoleucine 30809 with methionine.
Molecular consequence: missense variant.
Genome position (GRCh38, 1-based): chr2:178,549,199, G>C on the plus strand (C>G on the coding strand, the complement: TTN is on the minus strand). VCF-style: chr2-178549199-G-C. GRCh37 (hg19) VCF-style: chr2-179413926-G-C.
Other names: c.87504C>G, p.Ile29168Met (NM_001256850.1); c.65232C>G, p.Ile21744Met (NM_003319.4); c.84723C>G, p.Ile28241Met (NM_133378.4); c.65607C>G, p.Ile21869Met (NM_133432.3); c.65808C>G, p.Ile21936Met (NM_133437.4); short protein forms I21744M, I21869M, I21936M, I28241M, I29168M, I30809M.
Identifiers: ClinVar variation 2503847 (VCV002503847.1), dbSNP rs2469154156, ClinGen allele CA349493326.